The following is an entry in ClinVar:

ClinVar aggregate classification (germline): Uncertain significance. Review status: criteria provided, multiple submitters, no conflicts (2 of 4 stars). 2 submissions from 2 submitters: Uncertain significance (2). Last evaluated 2025-12-31.

Conditions:
Loeys-Dietz syndrome 4 (LDS4). Also called: ANEURYSM, AORTIC AND CEREBRAL, WITH ARTERIAL TORTUOSITY AND SKELETAL MANIFESTATIONS; TGFB2-Related Loeys-Dietz Syndrome. Identifiers: MedGen C3553762, MONDO:0013897, OMIM 614816.
Familial thoracic aortic aneurysm and aortic dissection (TAAD). Also called: Thoracic aortic aneurysms and dissections. Identifiers: Orphanet 91387, MedGen C4707243, MONDO:0019625.

Allele frequency attached by ClinVar (database versions not stated): gnomAD exomes below 0.00001.
gnomAD v4.1: 1 of 1,614,212 alleles (0.000062%); highest among the groups gnomAD compares: Non-Finnish European, 0.000085%; no homozygotes.

Submissions (2):

Labcorp Genetics (formerly Invitae), Labcorp
Classification: Uncertain significance for Loeys-Dietz syndrome 4. Last evaluated: 2025-12-31. Review status: criteria provided, single submitter. Criteria: Invitae Variant Classification Sherloc (09022015). Collection method: clinical testing. Allele origin: germline.
Comment: This sequence change replaces proline, which is neutral and non-polar, with leucine, which is neutral and non-polar, at codon 64 of the TGFB2 protein (p.Pro64Leu). This variant is present in population databases (no rsID available, gnomAD 0.0009%). This variant has not been reported in the literature in individuals affected with TGFB2-related conditions. ClinVar contains an entry for this variant (Variation ID: 2452024). Invitae Evidence Modeling of protein sequence and biophysical properties (such as structural, functional, and spatial information, amino acid conservation, physicochemical variation, residue mobility, and thermodynamic stability) indicates that this missense variant is not expected to disrupt TGFB2 protein function with a negative predictive value of 80%. In summary, the available evidence is currently insufficient to determine the role of this variant in disease. Therefore, it has been classified as a Variant of Uncertain Significance.

Ambry Genetics
Classification: Uncertain significance for Familial thoracic aortic aneurysm and aortic dissection. Last evaluated: 2025-12-17. Review status: criteria provided, single submitter. Criteria: Ambry Variant Classification Scheme 2023. Collection method: clinical testing. Allele origin: germline.
Comment: The p.P64L variant (also known as c.191C>T), located in coding exon 1 of the TGFB2 gene, results from a C to T substitution at nucleotide position 191. The proline at codon 64 is replaced by leucine, an amino acid with similar properties. This variant was reported in individual(s) with vascular findings (Ambry internal data). This amino acid position is not well conserved in available vertebrate species. In addition, the in silico prediction for this alteration is inconclusive. Based on the available evidence, the clinical significance of this variant remains unclear.

NM_003238.6(TGFB2):c.191C>T (p.Pro64Leu)

Gene: TGFB2 (transforming growth factor beta 2; plus strand). Cytogenetic location: 1q41.
Variant type: single nucleotide variant.
Coding change: c.191C>T on transcript NM_003238.6 (MANE Select); coding-DNA position 191, C replaced by T.
Protein change: p.Pro64Leu; replaces proline 64 with leucine.
Molecular consequence: missense variant. On other transcripts: non-coding transcript variant (2).
Genome position (GRCh38, 1-based): chr1:218,346,892, C>T. VCF-style: chr1-218346892-C-T. GRCh37 (hg19) VCF-style: chr1-218520234-C-T.
Other names: c.191C>T, p.Pro64Leu (NM_001135599.4); short protein forms P64L.
Identifiers: ClinVar variation 2452024 (VCV002452024.4), dbSNP rs1317014757, ClinGen allele CA344725491.